The following is an entry in ClinVar:

ClinVar aggregate classification (germline): Uncertain significance (1 of 4 stars; one submission).

Submission:

GeneDx
Classification: Uncertain significance. Last evaluated: 2026-07-23. Review status: criteria provided, single submitter. Criteria: GeneDx Variant Classification Process June 2021. Collection method: clinical testing. Allele origin: germline.
Comment: Not observed at significant frequency in large population cohorts (gnomAD); In silico analysis supports that this missense variant has a deleterious effect on protein structure/function; Has not been previously published as pathogenic or benign to our knowledge

NM_001282116.2(RFX3):c.1456G>T (p.Val486Phe)

Gene: RFX3 (regulatory factor X3; minus strand). Cytogenetic location: 9p24.2.
Variant type: single nucleotide variant.
Coding change: c.1456G>T on transcript NM_001282116.2 (MANE Select); coding-DNA position 1456, G replaced by T.
Protein change: p.Val486Phe; replaces valine 486 with phenylalanine.
Molecular consequence: missense variant.
Genome position (GRCh38, 1-based): chr9:3,263,084, C>A on the plus strand (G>T on the coding strand, the complement: RFX3 is on the minus strand). VCF-style: chr9-3263084-C-A. GRCh37 (hg19) VCF-style: chr9-3263084-C-A.
Other names: c.1456G>T, p.Val486Phe (NM_001377999.1, NM_002919.4, NM_134428.3); short protein forms V486F.
Identifiers: ClinVar variation 3392628 (VCV003392628.2).